The following is an entry in ClinVar:

ClinVar aggregate classification (germline): Likely benign. Review status: criteria provided, multiple submitters, no conflicts (2 of 4 stars). 5 submissions from 4 submitters: Likely benign (5). Last evaluated 2025-06-23.

Conditions:
Familial cutaneous telangiectasia and oropharyngeal predisposition cancer syndrome. Identifiers: Orphanet 313846, MedGen C3281203, MONDO:0013806, OMIM 614564.
Seckel syndrome 1 (SCKL1). Also called: MICROCEPHALIC PRIMORDIAL DWARFISM I. Identifiers: Orphanet 808, MedGen C4551474, MONDO:0008869, OMIM 210600.
Inborn genetic diseases. Identifiers: MedGen C0950123, MeSH D030342.

Allele frequency attached by ClinVar (database versions not stated): gnomAD exomes below 0.00001; TOPMed below 0.00001; ExAC 0.00001; gnomAD 0.00001.
gnomAD v4.1: 13 of 1,613,992 alleles (0.00081%); highest among the groups gnomAD compares: East Asian, 0.0045%; no homozygotes.

Submissions (5):

Labcorp Genetics (formerly Invitae), Labcorp
Classification: Likely benign. Last evaluated: 2025-06-23. Review status: criteria provided, single submitter. Criteria: Invitae Variant Classification Sherloc (09022015). Collection method: clinical testing. Allele origin: germline.

Genome-Nilou Lab
Classification: Likely benign for Seckel syndrome 1. Last evaluated: 2023-02-08. Review status: criteria provided, single submitter. Criteria: ACMG Guidelines, 2015. Collection method: clinical testing. Allele origin: germline.

Genome-Nilou Lab
Classification: Likely benign for Familial cutaneous telangiectasia and oropharyngeal predisposition cancer syndrome. Last evaluated: 2023-02-08. Review status: criteria provided, single submitter. Criteria: ACMG Guidelines, 2015. Collection method: clinical testing. Allele origin: germline.

Ambry Genetics
Classification: Likely benign for Inborn genetic diseases. Last evaluated: 2022-04-24. Review status: criteria provided, single submitter. Criteria: Ambry Variant Classification Scheme 2023. Collection method: clinical testing. Allele origin: germline.

GeneDx
Classification: Likely benign. Last evaluated: 2017-02-16. Review status: criteria provided, single submitter. Criteria: GeneDx Variant Classification (06012015). Collection method: clinical testing. Allele origin: germline. Affected: yes.
Comment: This variant is considered likely benign or benign based on one or more of the following criteria: it is a conservative change, it occurs at a poorly conserved position in the protein, it is predicted to be benign by multiple in silico algorithms, and/or has population frequency not consistent with disease.

NM_001184.4(ATR):c.5133C>T (p.Ser1711=)

Gene: ATR (ATR checkpoint kinase; minus strand). Cytogenetic location: 3q23.
Variant type: single nucleotide variant.
Coding change: c.5133C>T on transcript NM_001184.4 (MANE Select); coding-DNA position 5133, C replaced by T.
Protein change: p.Ser1711=; no amino-acid change (serine 1711 retained).
Molecular consequence: synonymous variant.
Genome position (GRCh38, 1-based): chr3:142,505,202, G>A on the plus strand (C>T on the coding strand, the complement: ATR is on the minus strand). VCF-style: chr3-142505202-G-A. GRCh37 (hg19) VCF-style: chr3-142224044-G-A.
Other names: c.4941C>T, p.Ser1647= (NM_001354579.2).
Identifiers: ClinVar variation 507421 (VCV000507421.12), dbSNP rs368178207, ClinGen allele CA2649677.